The following is an entry in ClinVar:

ClinVar aggregate classification (germline): Likely benign. Review status: criteria provided, multiple submitters, no conflicts (2 of 4 stars). 2 submissions from 2 submitters: Likely benign (2). Last evaluated 2022-08-22.

Conditions:
Cerebral folate transport deficiency. Also called: Neurodegenerative syndrome due to cerebral folate transport deficiency; NEURODEGENERATION DUE TO CEREBRAL FOLATE TRANSPORT DEFICIENCY; FOLR1-Related Cerebral Folate Transport Deficiency; FOLATE RECEPTOR DEFICIENCY; Cerebral folate deficiency syndrome. Identifiers: Orphanet 217382, MedGen C2751584, MONDO:0013110, OMIM 613068. Disease mechanism: loss of function.

Submissions (2):

Labcorp Genetics (formerly Invitae), Labcorp
Classification: Likely benign for Cerebral folate transport deficiency. Last evaluated: 2022-08-22. Review status: criteria provided, single submitter. Criteria: Invitae Variant Classification Sherloc (09022015). Collection method: clinical testing. Allele origin: germline.

GeneDx
Classification: Likely benign. Last evaluated: 2016-07-28. Review status: criteria provided, single submitter. Criteria: GeneDx Variant Classification (06012015). Collection method: clinical testing. Allele origin: germline. Affected: yes.
Comment: This variant is considered likely benign or benign based on one or more of the following criteria: it is a conservative change, it occurs at a poorly conserved position in the protein, it is predicted to be benign by multiple in silico algorithms, and/or has population frequency not consistent with disease.

NM_016729.3(FOLR1):c.192C>T (p.Ala64=)

Genes: FOLR1 (folate receptor alpha; plus strand), FOLR1-AS1 (FOLR1 antisense RNA 1; minus strand). Cytogenetic location: 11q13.4.
Variant type: single nucleotide variant.
Coding change: c.192C>T on transcript NM_016729.3 (MANE Select); coding-DNA position 192, C replaced by T.
Protein change: p.Ala64=; no amino-acid change (alanine 64 retained).
Molecular consequence: synonymous variant.
Genome position (GRCh38, 1-based): chr11:72,195,294, C>T. VCF-style: chr11-72195294-C-T. GRCh37 (hg19) VCF-style: chr11-71906338-C-T.
Other names: c.192C>T, p.Ala64= (NM_000802.3, NM_016724.3, NM_016725.3).
Identifiers: ClinVar variation 388110 (VCV000388110.6), dbSNP rs1057523002, ClinGen allele CA16606327.
Genomic context (GRCh38, chr11:72,195,294, plus strand): 5'-TGGCTGTGGACTGAGTCCTCTGTCTTCCCCCATCCAGTGTCGACCCTGGAGGAAGAATGC[C>T]TGCTGTTCTACCAACACCAGCCAGGAAGCCCATAAGGATGTTTCCTACCTATATAGATTC-3'
Protein context (NP_057941.1, residues 54-74): HEQCRPWRKN[Ala64=]CCSTNTSQEA